The following is an entry in ClinVar:

NM_000238.4(KCNH2):c.2695A>G (p.Thr899Ala)

Gene: KCNH2 (potassium voltage-gated channel subfamily H member 2; minus strand). Cytogenetic location: 7q36.1.
Variant type: single nucleotide variant.
Coding change: c.2695A>G on transcript NM_000238.4 (MANE Select); coding-DNA position 2695, A replaced by G.
Protein change: p.Thr899Ala; replaces threonine 899 with alanine.
Molecular consequence: missense variant.
Genome position (GRCh38, 1-based): chr7:150,947,876, T>C on the plus strand (A>G on the coding strand, the complement: KCNH2 is on the minus strand). VCF-style: chr7-150947876-T-C. GRCh37 (hg19) VCF-style: chr7-150644964-T-C.
Other names: c.2407A>G, p.Thr803Ala (NM_001406753.1); c.1675A>G, p.Thr559Ala (NM_172057.3); short protein forms T559A, T803A, T899A.
Identifiers: ClinVar variation 4756479 (VCV004756479.1).

ClinVar aggregate classification (germline): Uncertain significance (1 of 4 stars; one submission).

Conditions:
Cardiac arrhythmia. Also called: Arrhythmia; Cardiac rhythm disease. Identifiers: MedGen C0003811, MONDO:0007263, HP:0011675.

Submission:

Color Diagnostics, LLC DBA Color Health
Classification: Uncertain significance for Cardiac arrhythmia. Last evaluated: 2025-09-11. Review status: criteria provided, single submitter. Criteria: ACMG Guidelines, 2015. Collection method: clinical testing. Allele origin: germline.
Comment: This missense variant replaces threonine with alanine at codon 899 of the KCNH2 protein. Computational prediction suggests that this variant may not impact protein structure and function. To our knowledge, functional studies have not been reported for this variant. This variant has not been reported in individuals affected with KCNH2-related disorders in the literature. This variant has not been identified in the general population by the Genome Aggregation Database (gnomAD). The available evidence is insufficient to determine the role of this variant in disease conclusively. Therefore, this variant is classified as a Variant of Uncertain Significance.